The following is an entry in ClinVar:

ClinVar aggregate classification (germline): Uncertain significance (1 of 4 stars; one submission).

Conditions:
Microcephaly, normal intelligence and immunodeficiency (NBS). Also called: Immunodeficiency, microcephaly with normal intelligence; Ataxia telangiectasia variant V1; BERLIN BREAKAGE SYNDROME; Nijmegen breakage syndrome; Microcephaly with normal intelligence immunodeficiency and lymphoreticular malignancies; Nonsyndromal microcephaly autosomal recessive with normal intelligence. Identifiers: Orphanet 647, MedGen C0398791, MONDO:0009623, OMIM 251260.

Submission:

Labcorp Genetics (formerly Invitae), Labcorp
Classification: Uncertain significance for Microcephaly, normal intelligence and immunodeficiency. Last evaluated: 2023-10-28. Review status: criteria provided, single submitter. Criteria: Invitae Variant Classification Sherloc (09022015). Collection method: clinical testing. Allele origin: germline.
Comment: This sequence change replaces valine, which is neutral and non-polar, with leucine, which is neutral and non-polar, at codon 348 of the NBN protein (p.Val348Leu). This variant is not present in population databases (gnomAD no frequency). This variant has not been reported in the literature in individuals affected with NBN-related conditions. ClinVar contains an entry for this variant (Variation ID: 2091923). An algorithm developed to predict the effect of missense changes on protein structure and function (PolyPhen-2) suggests that this variant is likely to be tolerated. In summary, the available evidence is currently insufficient to determine the role of this variant in disease. Therefore, it has been classified as a Variant of Uncertain Significance.

NM_002485.5(NBN):c.1042G>C (p.Val348Leu)

Gene: NBN (nibrin; minus strand). Cytogenetic location: 8q21.3.
Variant type: single nucleotide variant.
Coding change: c.1042G>C on transcript NM_002485.5 (MANE Select); coding-DNA position 1042, G replaced by C.
Protein change: p.Val348Leu; replaces valine 348 with leucine.
Molecular consequence: missense variant.
Genome position (GRCh38, 1-based): chr8:89,958,807, C>G on the plus strand (G>C on the coding strand, the complement: NBN is on the minus strand). VCF-style: chr8-89958807-C-G. GRCh37 (hg19) VCF-style: chr8-90971035-C-G.
Other names: c.796G>C, p.Val266Leu (NM_001024688.3); short protein forms V348L, V266L.
Identifiers: ClinVar variation 2091923 (VCV002091923.4), dbSNP rs1586065979, ClinGen allele CA371656731.
Genomic context (GRCh38, chr8:89,958,807, plus strand): 5'-CTGTGTCAGCTACGTATGTTGTAGTGTTCACTGGGGCGCTTGGCATTAGTTTTTCATCAA[C>G]TGACACGCCTTGTGAAAGGCTTGGTCCTGGAGTTGTTGTCTTTAATCCTGTAAATCACAC-3'
Protein context (NP_002476.2, residues 338-358): PGPSLSQGVS[Val348Leu]DEKLMPSAPV